The following is an entry in ClinVar:

ClinVar aggregate classification (germline): Pathogenic. Review status: criteria provided, multiple submitters, no conflicts (2 of 4 stars). 8 submissions from 8 submitters: Pathogenic (4). 4 of the submissions do not count toward it. Last evaluated 2026-01-31.

Conditions:
WNT10A-related disorder. Also called: WNT10A-related disorders; WNT10A-related condition.
Ectodermal dysplasia WNT10A related. Identifiers: MedGen CN305516, MONDO:0100358.
Inborn genetic diseases. Identifiers: MedGen C0950123, MeSH D030342.
Tooth agenesis, selective, 4 (STHAG4). Also called: SUCCEDANEOUS TEETH, AGENESIS OF; TOOTH AGENESIS, SELECTIVE, 4, WITH OR WITHOUT ECTODERMAL DYSPLASIA; LATERAL INCISORS, PEGGED OR MISSING; LATERAL INCISORS, ABSENCE OF. Identifiers: Orphanet 99798, MedGen C1835492, MONDO:0007881, OMIM 150400. Disease mechanism: loss of function.
Odonto-onycho-dermal dysplasia. Identifiers: Orphanet 2721, MedGen C0796093, MONDO:0009773, OMIM 257980.
Schöpf-Schulz-Passarge syndrome. Also called: ECCRINE TUMORS WITH ECTODERMAL DYSPLASIA; KERATOSIS PALMOPLANTARIS WITH CYSTIC EYELIDS, HYPODONTIA, AND HYPOTRICHOSIS; SchC6pf-Schulz-Passarge syndrome. Identifiers: Orphanet 50944, MedGen C1857069, MONDO:0009145, OMIM 224750.

Allele frequency attached by ClinVar (database versions not stated): gnomAD 0.00001 and 0.00002; gnomAD exomes 0.00001 and 0.00002; TOPMed 0.00001.
gnomAD v4.1: 27 of 1,599,936 alleles (0.0017%); highest among the groups gnomAD compares: Non-Finnish European, 0.0021%; no homozygotes.

Submissions (8):

Labcorp Genetics (formerly Invitae), Labcorp
Classification: Pathogenic for Tooth agenesis, selective, 4; Odonto-onycho-dermal dysplasia. Last evaluated: 2026-01-31. Review status: criteria provided, single submitter. Criteria: Invitae Variant Classification Sherloc (09022015). Collection method: clinical testing. Allele origin: germline.
Comment: This sequence change creates a premature translational stop signal (p.Arg248*) in the WNT10A gene. While this is not anticipated to result in nonsense mediated decay, it is expected to disrupt the last 170 amino acid(s) of the WNT10A protein. This variant is present in population databases (no rsID available, gnomAD 0.003%). This premature translational stop signal has been observed in individual(s) with hypohidrotic ectodermal dysplasia and/or non-syndromic tooth agenesis (PMID: 20979233, 28981473). ClinVar contains an entry for this variant (Variation ID: 265293). Algorithms developed to predict the effect of sequence changes on RNA splicing suggest that this variant may disrupt the consensus splice site. This variant disrupts a region of the WNT10A protein in which other variant(s) (p.Asn304His, p.Phe345Ser) have been observed in individuals with WNT10A-related conditions (internal data). This suggests that this is a clinically significant region of the protein, and that variants that disrupt it are likely to be disease-causing. For these reasons, this variant has been classified as Pathogenic.

Natera, Inc.
Classification: Pathogenic for Schopf-Schulz-Passarge syndrome. Last evaluated: 2025-02-12. Review status: criteria provided, single submitter. Criteria: Natera Variant Classification Schema (03/2026). Collection method: clinical testing. Allele origin: germline.
Comment: The c.742C>T variant in WNT10A is a nonsense variant predicted to introduce a stop codon at amino acid 248. This variant is expected to result in nonsense mediated decay, truncation, or a dysfunctional protein product. This variant is rare in the general population with a frequency below the threshold expected for the associated phenotype(s). This variant has been observed in one or more individuals affected with the associated recessive disease, as either homozygous or compound heterozygous with a second variant (PMID: 30265373, 30569517). Additionally, this variant has been observed to segregate in affected family members (PMID: 30265373). Given the available evidence, this variant is classified as Pathogenic.

GeneDx
Classification: Pathogenic. Last evaluated: 2023-06-27. Review status: criteria provided, single submitter. Criteria: GeneDx Variant Classification Process June 2021. Collection method: clinical testing. Allele origin: germline. Affected: yes.
Comment: Not observed at a significant frequency in large population cohorts (gnomAD); Nonsense variant predicted to result in protein truncation, as the last 170 amino acids are lost, and other loss-of-function variants have been reported downstream in HGMD; This variant is associated with the following publications: (PMID: 25525159, 20979233, 30265373, 28981473, 30569517, 31589614, 36017684, 33943035, 36832485)

Ambry Genetics
Classification: Pathogenic for Inborn genetic diseases. Last evaluated: 2018-11-08. Review status: criteria provided, single submitter. Criteria: Ambry exome assertion method (8-5-2015). Collection method: clinical testing. Allele origin: germline. Affected: yes. Observed: 1 variant allele.

Molecular Genetics Laboratory, BC Children's and BC Women's Hospitals
Classification: Pathogenic for Ectodermal dysplasia WNT10A related. Last evaluated: 2025-12-08. Review status: no assertion criteria provided. Criteria: ACMG Guidelines, 2015. Collection method: clinical testing. Allele origin: unknown. Affected: yes. Not counted in ClinVar's aggregate classification.

PreventionGenetics, part of Exact Sciences
Classification: Pathogenic for WNT10A-related condition. Last evaluated: 2024-02-09. Review status: no assertion criteria provided. Collection method: clinical testing. Allele origin: germline. Not counted in ClinVar's aggregate classification.
Comment: The WNT10A c.742C>T variant is predicted to result in premature protein termination (p.Arg248*). This variant has been reported in the homozygous state in an individual with hypohidrotic ectodermal dysplasia (Cluzeau et al. 2011. PubMed ID: 20979233) and an individual with odonto-onycho-dermal dysplasia (Yu et al. 2019. PubMed ID: 30569517). This variants has also been reported in the heterozygous state in individuals with nonsyndromic tooth agenesis and Schöpf-Schulz-Passarge syndrome (Zeng et al. 2017. PubMed ID: 28981473; Zimmermann et al. 2019. PubMed ID: 30265373). This variant is reported in 0.0029% of alleles in individuals of Latino descent in gnomAD. Nonsense variants in WNT10A are expected to be pathogenic. This variant is interpreted as pathogenic.

OMIM
Classification: Pathogenic for ODONTOONYCHODERMAL DYSPLASIA. Last evaluated: 2020-06-23. Review status: no assertion criteria provided. Collection method: literature only. Allele origin: germline. Not counted in ClinVar's aggregate classification.

Department of Prosthodontics, Peking University School and Hospital of Stomatology
Classification: Pathogenic for Odontoonychodermal dysplasia. Last evaluated: 2018-06-04. Review status: no assertion criteria provided. Collection method: clinical testing. Allele origin: inherited. Affected: yes. Not counted in ClinVar's aggregate classification.

Literature cited by the submitters: PubMed 20979233 (cited by Labcorp Genetics (formerly Invitae), Labcorp and Ambry Genetics); PubMed 28981473 (cited by Labcorp Genetics (formerly Invitae), Labcorp and Ambry Genetics); PubMed 30265373 (cited by Natera, Inc.); PubMed 30569517 (cited by Natera, Inc. and OMIM).

NM_025216.3(WNT10A):c.742C>T (p.Arg248Ter)

Gene: WNT10A (Wnt family member 10A; plus strand). Cytogenetic location: 2q35.
Variant type: single nucleotide variant.
Coding change: c.742C>T on transcript NM_025216.3 (MANE Select); coding-DNA position 742, C replaced by T.
Protein change: p.Arg248Ter; replaces arginine 248 with a stop codon.
Molecular consequence: nonsense.
Genome position (GRCh38, 1-based): chr2:218,890,349, C>T. VCF-style: chr2-218890349-C-T. GRCh37 (hg19) VCF-style: chr2-219755071-C-T.
Other names: (p.Arg248*); short protein forms R248*.
Identifiers: ClinVar variation 265293 (VCV000265293.21), dbSNP rs886039453, ClinGen allele CA10588338.